The following is an entry in ClinVar:

ClinVar aggregate classification (germline): Uncertain significance (1 of 4 stars; one submission).

Conditions:
Pitt-Hopkins-like syndrome 2 (PTHSL2). Identifiers: Orphanet 221150, Orphanet 600663, MedGen C3280479, MONDO:0013690, OMIM 614325.

Allele frequency attached by ClinVar (database versions not stated): gnomAD 0.00001; ExAC 0.00002; gnomAD exomes 0.00002; TOPMed 0.00004.
gnomAD v4.1: 7 of 1,613,238 alleles (0.00043%); highest among the groups gnomAD compares: East Asian, 0.0067%; no homozygotes.

Submission:

Labcorp Genetics (formerly Invitae), Labcorp
Classification: Uncertain significance for Pitt-Hopkins-like syndrome 2. Last evaluated: 2022-07-26. Review status: criteria provided, single submitter. Criteria: Invitae Variant Classification Sherloc (09022015). Collection method: clinical testing. Allele origin: germline.
Comment: In summary, the available evidence is currently insufficient to determine the role of this variant in disease. Therefore, it has been classified as a Variant of Uncertain Significance. Algorithms developed to predict the effect of missense changes on protein structure and function are either unavailable or do not agree on the potential impact of this missense change (SIFT: "Deleterious"; PolyPhen-2: "Probably Damaging"; Align-GVGD: "Class C0"). ClinVar contains an entry for this variant (Variation ID: 645175). This variant has not been reported in the literature in individuals affected with NRXN1-related conditions. This variant is present in population databases (rs763449110, gnomAD 0.01%). This sequence change replaces leucine, which is neutral and non-polar, with isoleucine, which is neutral and non-polar, at codon 844 of the NRXN1 protein (p.Leu844Ile).

NM_001330078.2(NRXN1):c.2410C>A (p.Leu804Ile)

Gene: NRXN1 (neurexin 1; minus strand). Cytogenetic location: 2p16.3.
Variant type: single nucleotide variant.
Coding change: c.2410C>A on transcript NM_001330078.2 (MANE Select); coding-DNA position 2410, C replaced by A.
Protein change: p.Leu804Ile; replaces leucine 804 with isoleucine.
Molecular consequence: missense variant.
Genome position (GRCh38, 1-based): chr2:50,506,582, G>T on the plus strand (C>A on the coding strand, the complement: NRXN1 is on the minus strand). VCF-style: chr2-50506582-G-T. GRCh37 (hg19) VCF-style: chr2-50733720-G-T.
Other names: c.2530C>A, p.Leu844Ile (NM_001135659.3); c.2386C>A, p.Leu796Ile (NM_001330077.2, NM_001330082.2); c.2344C>A, p.Leu782Ile (NM_001330083.2, NM_001330084.2); c.2383C>A, p.Leu795Ile (NM_001330085.2); c.2410C>A, p.Leu804Ile (NM_001330086.2, NM_004801.6); c.2299C>A, p.Leu767Ile (NM_001330087.2, NM_001330096.2); c.2329C>A, p.Leu777Ile (NM_001330088.2); c.2407C>A, p.Leu803Ile (NM_001330093.2); and 2 more; short protein forms L777I, L796I, L803I, L844I, L767I, L804I, L782I, L787I.
Identifiers: ClinVar variation 645175 (VCV000645175.6), dbSNP rs763449110, ClinGen allele CA1654825.
Genomic context (GRCh38, chr2:50,506,582, plus strand): 5'-TTAACTTTAAACTTTTTCCACGCCGAACTACACGCACTGTGTGCCACTCGTTATCATTGA[G>T]GTTATAGCCAGCAAAAAGAGTCTCGGGACCTTTGCCTGTAGAATATGCCAAACAGTCATT-3'
Protein context (NP_001317007.1, residues 794-814): GPETLFAGYN[Leu804Ile]NDNEWHTVRV